The following is an entry in ClinVar:

ClinVar aggregate classification (germline): Likely pathogenic (1 of 4 stars; one submission).

Submission:

GeneDx
Classification: Likely pathogenic. Last evaluated: 2017-08-20. Review status: criteria provided, single submitter. Criteria: GeneDx Variant Classification (06012015). Collection method: clinical testing. Allele origin: germline. Affected: yes.
Comment: The C1097R variant was not observed in approximately 6,500 individuals of European and African American ancestry in the NHLBI Exome Sequencing Project, indicating it is not a common benign variant in these populations. The C1097R variant is a non-conservative amino acid substitution, which is likely to impact secondary protein structure as these residues differ in polarity, charge, size and/or other properties. Additionally, this substitution occurs at a position that is conserved across species. Consequently, in silico analysis predicts this variant is probably damaging to the protein structure/function. Furthermore, missense variants in nearby residues (N1088I, P1090S, G1100V, Y1101C) have been reported in the Human Gene Mutation Database in association with Marfan syndrome (Stenson et al., 2014), supporting the functional importance of this region of the protein. Finally, the C1097R variant affects a Cysteine residue within a calcium-binding EGF-like domain of the FBN1 gene, which may affect disulfide bonding and is predicted to alter the structure and function of the protein. Cysteine substitutions in the calcium-binding EGF-like domains represent the majority of pathogenic missense changes associated with Marfan syndrome (Collod-Beroud et al., 2003).Therefore, this variant is a strong candidate for a pathogenic variant, however the possibility that it is a benign variant cannot be excluded.

NM_000138.5(FBN1):c.3289T>C (p.Cys1097Arg)

Gene: FBN1 (fibrillin 1; minus strand). Cytogenetic location: 15q21.1.
Variant type: single nucleotide variant.
Coding change: c.3289T>C on transcript NM_000138.5 (MANE Select); coding-DNA position 3289, T replaced by C.
Protein change: p.Cys1097Arg; replaces cysteine 1097 with arginine.
Molecular consequence: missense variant.
Genome position (GRCh38, 1-based): chr15:48,488,161, A>G on the plus strand (T>C on the coding strand, the complement: FBN1 is on the minus strand). VCF-style: chr15-48488161-A-G. GRCh37 (hg19) VCF-style: chr15-48780358-A-G.
Other names: short protein forms C1097R.
Identifiers: ClinVar variation 429763 (VCV000429763.2), dbSNP rs1131691578, ClinGen allele CA392327237.